The following is an entry in ClinVar:

NM_000432.4(MYL2):c.166_169+13del

Gene: MYL2 (myosin light chain 2; minus strand). Cytogenetic location: 12q24.11.
Variant type: Deletion.
Coding change: c.166_169+13del on transcript NM_000432.4 (MANE Select); coding-DNA position 166 through 13 bases into the intron after coding-DNA position 169, 17 bases deleted (CTTGGTATGTCACCCTC).
Molecular consequence: splice donor variant.
Genome position (GRCh38, 1-based): chr12:110,915,702-110,915,718, GAGGGTGACATACCAAG deleted on the plus strand (CTTGGTATGTCACCCTC on the coding strand, the reverse complement: MYL2 is on the minus strand); deleting any 17 consecutive bases within chr12:110,915,702-110,915,719 gives the same sequence; the c. name uses the placement nearest the transcript's 3' end. VCF-style (leftmost placement, unchanged base first): chr12-110915701-AGAGGGTGACATACCAAG-A. GRCh37 (hg19) VCF-style: chr12-111353505-AGAGGGTGACATACCAAG-A.
Identifiers: ClinVar variation 2155092 (VCV002155092.4), dbSNP rs2071683549, ClinGen allele CA2063074710.
Genomic context (GRCh38, chr12:110,915,701, plus strand): 5'-GATGGTCCCACCTCCTGCTCCTCATGGATGTGAGATAAAGAGACCCTCATGCAGGGCTAG[AGAGGGTGACATACCAAG>A]GGCAGCAAAGGTGTCTCTCAGATCGTTCTTGTCAATGAAGCCATCCCTGTTCTGGTCCAT-3'

ClinVar aggregate classification (germline): Uncertain significance. Review status: criteria provided, multiple submitters, no conflicts (2 of 4 stars). 2 submissions from 2 submitters: Uncertain significance (2). Last evaluated 2025-07-02.

Conditions:
Cardiomyopathy (CMYO). Also called: Cardiomyopathies. Identifiers: Orphanet 167848, MedGen C0878544, MONDO:0004994, HP:0001638. Inheritance: Various modes of inheritance.
Hypertrophic cardiomyopathy 10. Also called: CARDIOMYOPATHY, HYPERTROPHIC, MID-LEFT VENTRICULAR CHAMBER TYPE, 2; MYL2-Related Familial Hypertrophic Cardiomyopathy. Identifiers: MedGen C1834460, MONDO:0012112, OMIM 608758.

Submissions (2):

Labcorp Genetics (formerly Invitae), Labcorp
Classification: Uncertain significance for Hypertrophic cardiomyopathy 10. Last evaluated: 2025-07-02. Review status: criteria provided, single submitter. Criteria: Invitae Variant Classification Sherloc (09022015). Collection method: clinical testing. Allele origin: germline.
Comment: This variant results in the deletion of part of exon 3 (c.166_169+13del) of the MYL2 gene. It is expected to disrupt RNA splicing. Variants that disrupt the donor or acceptor splice site typically lead to a loss of protein function (PMID: 16199547), however the current clinical and genetic evidence is not sufficient to establish whether loss-of-function variants in MYL2 cause disease. This variant is not present in population databases (gnomAD no frequency). This variant has not been reported in the literature in individuals affected with MYL2-related conditions. ClinVar contains an entry for this variant (Variation ID: 2155092). In summary, the available evidence is currently insufficient to determine the role of this variant in disease. Therefore, it has been classified as a Variant of Uncertain Significance.

Color Diagnostics, LLC DBA Color Health
Classification: Uncertain significance for Cardiomyopathy. Last evaluated: 2025-06-10. Review status: criteria provided, single submitter. Criteria: ACMG Guidelines, 2015. Collection method: clinical testing. Allele origin: germline.
Comment: This variant deletes 17 nucleotides in exon 3 and intron 3 of the MYL2 gene. Splice site prediction tools suggest that this variant may have a significant impact on RNA splicing. Although this prediction has not been confirmed in published RNA studies, this variant is expected to result in an absent or disrupted protein product. This variant has not been reported in individuals affected with MYL2-related disorders in the literature. This variant has not been identified in the general population by the Genome Aggregation Database (gnomAD). Clinical relevance of loss-of-function MYL2 truncation and splice variants in autosomal dominant cardiovascular disorders is not clearly established. The available evidence is insufficient to determine the role of this variant in disease conclusively. Therefore, this variant is classified as a Variant of Uncertain Significance.

Literature cited by the submitters: PubMed 16199547 (cited by Labcorp Genetics (formerly Invitae), Labcorp).